The following is an entry in ClinVar:

ClinVar aggregate classification (germline): Likely pathogenic (1 of 4 stars; one submission).

Conditions:
Neurodevelopmental disorder with dysmorphic facies and distal limb anomalies. Identifiers: Orphanet 686482, MedGen C4540327, MONDO:0060596, OMIM 617755.

Submission:

Medical Genetics Clinic, University of Catania
Classification: Likely pathogenic for Neurodevelopmental disorder with dysmorphic facies and distal limb anomalies. Last evaluated: 2025-07-17. Review status: criteria provided, single submitter. Criteria: ACMG Guidelines, 2015. Collection method: clinical testing. Allele origin: de novo. Inheritance: Autosomal dominant inheritance. Affected: yes. Observed: 1 heterozygote.
Comment: The c.807_808delCTinsA p.(Asp269GlufsTer7) variant in the BPTF gene is a frameshift variant that, starting from the new reading frame, causes the appearance of a premature stop codon 7 amino acids later, resulting in the production of a truncated protein. In silico prediction tools suggest a detrimental effect on the structure/activity of the protein (MutationTaster: disease causing). Loss of function variants of the BPTF gene are associated with Neurodevelopmental disorder with dysmorphic facies and distal limb anomalies (MIM 617755) (PMID: 33522091). In the light of the above the c.807_808delCTinsA p.(Asp269GlufsTer7) variant in the BPTF gene has been classified as a Likely Pathogenic Variant.

Literature cited by the submitters: PubMed 33522091.

NM_182641.4(BPTF):c.807_808delinsA (p.Asp269fs)

Gene: BPTF (bromodomain PHD finger transcription factor; plus strand). Cytogenetic location: 17q24.2.
Variant type: Indel.
Coding change: c.807_808delinsA on transcript NM_182641.4 (MANE Select); coding-DNA positions 807 to 808, CT replaced by A.
Protein change: p.Asp269fs; shifts the reading frame from aspartic acid 269.
Molecular consequence: frameshift variant.
Genome position (GRCh38, 1-based): chr17:67,854,133-67,854,134, CT replaced by A. VCF-style: chr17-67854133-CT-A. GRCh37 (hg19) VCF-style: chr17-65850249-CT-A.
Other names: Asp269GlufsTer7; c.807_808delinsA, p.Asp269fs (NM_001439144.1, NM_004459.7, NM_001439139.1 and 4 more transcripts); short protein forms D269fs.
Identifiers: ClinVar variation 4076509 (VCV004076509.1).
Genomic context (GRCh38, chr17:67,854,133, plus strand): 5'-TTACGAGGTACTGCGGAACTTTGGCACTGTTTTGAGATTATCTCCTTTTCGCTTTGAGGA[CT>A]TTTGTGCAGCTCTGGTGAGCCAAGAGCAGTGCACACTCATGGCAGAGATGCATGTTGTGC-3'